The following is an entry in ClinVar:

NM_002878.4(RAD51D):c.369T>A (p.Asn123Lys)

Genes: RAD51D (RAD51 paralog D; minus strand), RAD51L3-RFFL (RAD51L3-RFFL readthrough; minus strand). Cytogenetic location: 17q12.
Variant type: single nucleotide variant.
Coding change: c.369T>A on transcript NM_002878.4 (MANE Select); coding-DNA position 369, T replaced by A.
Protein change: p.Asn123Lys; replaces asparagine 123 with lysine.
Molecular consequence: missense variant. On other transcripts: non-coding transcript variant (1), intron variant (1).
Genome position (GRCh38, 1-based): chr17:35,107,099, A>T on the plus strand (T>A on the coding strand, the complement: RAD51D is on the minus strand). VCF-style: chr17-35107099-A-T. GRCh37 (hg19) VCF-style: chr17-33434118-A-T.
Other names: c.429T>A, p.Asn143Lys (NM_001142571.2); c.145-618T>A (NM_133629.3); short protein forms N143K, N123K.
Identifiers: ClinVar variation 1734047 (VCV001734047.2), dbSNP rs2142433717, ClinGen allele CA399089362.
Genomic context (GRCh38, chr17:35,107,099, plus strand): 5'-AGCTGTCAGCCCTCCATTGGAATCTACATATAGGACGTTTTGCTGCAGGCCATGGGCCAC[A>T]TTTGCTGCCATACAGAGACATACCTGGGGGTGGGGGCATTGGATGAACTTGACACTTCAG-3'
Protein context (NP_002869.3, residues 113-133): KTQVCLCMAA[Asn123Lys]VAHGLQQNVL

ClinVar aggregate classification (germline): Uncertain significance (1 of 4 stars; one submission).

Conditions:
Hereditary cancer-predisposing syndrome. Also called: Neoplastic Syndromes, Hereditary; Tumor predisposition; Hereditary Cancer Syndrome; Hereditary neoplastic syndrome. Identifiers: Orphanet 140162, MedGen C0027672, MeSH D009386, MONDO:0015356.

Submission:

Ambry Genetics
Classification: Uncertain significance for Hereditary cancer-predisposing syndrome. Last evaluated: 2020-07-06. Review status: criteria provided, single submitter. Criteria: Ambry Variant Classification Scheme 2023. Collection method: clinical testing. Allele origin: germline.
Comment: The p.N123K variant (also known as c.369T>A), located in coding exon 5 of the RAD51D gene, results from a T to A substitution at nucleotide position 369. The asparagine at codon 123 is replaced by lysine, an amino acid with similar properties. This amino acid position is not well conserved in available vertebrate species. In addition, the in silico prediction for this alteration is inconclusive. Since supporting evidence is limited at this time, the clinical significance of this alteration remains unclear.